The following is an entry in ClinVar:

ClinVar aggregate classification (germline): Pathogenic. Review status: criteria provided, single submitter (1 of 4 stars). 2 submissions from 1 submitter: Pathogenic (2). Last evaluated 2015-02-25.

Conditions:
Meckel-Gruber syndrome. Also called: Dysencephalia splachnocystica; DYSENCEPHALIA SPLANCHNOCYSTICA; GRUBER SYNDROME. Identifiers: Orphanet 564, MedGen C0265215, MONDO:0018921.
Nephronophthisis. Also called: Juvenile Nephronophthisis. Identifiers: Orphanet 655, MedGen C0687120, MONDO:0019005, HP:0000090.
Joubert syndrome. Also called: CEREBELLOPARENCHYMAL DISORDER IV; JOUBERT-BOLTSHAUSER SYNDROME; Familial aplasia of the vermis. Identifiers: Orphanet 475, MedGen C5979921, MONDO:0018772.

Submissions (2):

Labcorp Genetics (formerly Invitae), Labcorp
Classification: Pathogenic for Familial aplasia of the vermis. Last evaluated: 2015-02-25. Review status: criteria provided, single submitter. Criteria: Invitae Variant Classification Sherloc (09022015). Collection method: clinical testing. Allele origin: germline.
Comment: This sequence change deletes 2 nucleotide from exon 33 of the CEP290 mRNA (c.4276_4277delAA), causing a frameshift at codon 1426. This creates a premature translational stop signal (p.Asn1426*) and is expected to result in an absent or disrupted protein product. While this particular variant has not been reported in the literature, truncating variants in CEP290 are known to be pathogenic (PMID: 20690115). For these reasons, this variant has been classified as Pathogenic.

Labcorp Genetics (formerly Invitae), Labcorp
Classification: Pathogenic for Joubert syndrome; Meckel-Gruber syndrome; Nephronophthisis. Last evaluated: 2015-02-25. Review status: criteria provided, single submitter. Criteria: Invitae Variant Classification Sherloc (09022015). Collection method: clinical testing. Allele origin: germline.
Comment: For these reasons, this variant has been classified as Pathogenic. While this particular variant has not been reported in the literature, truncating variants in CEP290 are known to be pathogenic (PMID: 20690115). This sequence change deletes 2 nucleotide from exon 33 of the CEP290 mRNA (c.4276_4277delAA), causing a frameshift at codon 1426. This creates a premature translational stop signal (p.Asn1426*) and is expected to result in an absent or disrupted protein product.

Literature cited by the submitters: PubMed 20690115.

NM_025114.4(CEP290):c.4276_4277del (p.Gln1425_Asn1426insTer)

Gene: CEP290 (centrosomal protein 290; minus strand). Cytogenetic location: 12q21.32.
Variant type: Deletion.
Coding change: c.4276_4277del on transcript NM_025114.4 (MANE Select); coding-DNA positions 4276 to 4277, 2 bases deleted (AA; older notation c.4276_4277delAA).
Protein change: p.Gln1425_Asn1426insTer.
Molecular consequence: nonsense.
Genome position (GRCh38, 1-based): chr12:88,086,416-88,086,417, TT deleted on the plus strand (AA on the coding strand, the reverse complement: CEP290 is on the minus strand); deleting any 2 consecutive bases within chr12:88,086,416-88,086,419 gives the same sequence; the c. name uses the placement nearest the transcript's 3' end. VCF-style (leftmost placement, unchanged base first): chr12-88086415-ATT-A. GRCh37 (hg19) VCF-style: chr12-88480192-ATT-A.
Other names: c.4276_4277delAA (NM_025114.3).
Identifiers: ClinVar variation 216126 (VCV000216126.10), dbSNP rs863224523, ClinGen allele CA336640.
Genomic context (GRCh38, chr12:88,086,415, plus strand): 5'-TGCTACAGAGTAACAAACAAGATTAATCATTCATACCTTTTGTGCCGCATTTAGTATTTC[ATT>A]TTGCTGACGGTCAAAAATGTCTAGTTGGCGTTCCAGGTCAACTTCTCTTTGATCCCAGGC-3'